The following is an entry in ClinVar:

NM_020975.6(RET):c.2623T>G (p.Leu875Val)

Gene: RET (ret proto-oncogene; plus strand). Cytogenetic location: 10q11.21.
Variant type: single nucleotide variant.
Coding change: c.2623T>G on transcript NM_020975.6 (MANE Select); coding-DNA position 2623, T replaced by G.
Protein change: p.Leu875Val; replaces leucine 875 with valine.
Molecular consequence: missense variant.
Genome position (GRCh38, 1-based): chr10:43,120,096, T>G. VCF-style: chr10-43120096-T-G. GRCh37 (hg19) VCF-style: chr10-43615544-T-G.
Other names: c.2623T>G, p.Leu875Val (NM_000323.2, NM_001406743.1, NM_001406744.1 and 4 more transcripts); c.1861T>G, p.Leu621Val (NM_001355216.2); c.2494T>G, p.Leu832Val (NM_001406761.1, NM_001406762.1, NM_001406764.1); c.2488T>G, p.Leu830Val (NM_001406763.1, NM_001406765.1); c.2335T>G, p.Leu779Val (NM_001406766.1, NM_001406767.1, NM_001406770.1); c.2359T>G, p.Leu787Val (NM_001406768.1); c.2227T>G, p.Leu743Val (NM_001406769.1, NM_001406772.1); c.2185T>G, p.Leu729Val (NM_001406771.1, NM_001406773.1); and 10 more; short protein forms L875V, L621V, L392V, L480V, L531V, L576V, L830V, L536V.
Identifiers: ClinVar variation 1483934 (VCV001483934.9), dbSNP rs1588877642, ClinGen allele CA376557018.

ClinVar aggregate classification (germline): Uncertain significance. Review status: criteria provided, multiple submitters, no conflicts (2 of 4 stars). 4 submissions from 4 submitters: Uncertain significance (4). Last evaluated 2024-07-11.

Conditions:
Hereditary cancer-predisposing syndrome. Also called: Hereditary neoplastic syndrome; Neoplastic Syndromes, Hereditary; Hereditary Cancer Syndrome; Tumor predisposition. Identifiers: Orphanet 140162, MedGen C0027672, MeSH D009386, MONDO:0015356.
Multiple endocrine neoplasia, type 2 (MEN2). Identifiers: Orphanet 653, MedGen C4048306, MONDO:0019003. Disease mechanism: gain of function.
Hirschsprung disease, susceptibility to, 1 (HSCR1). Also called: RET-Related Hirschsprung Disease. Identifiers: Orphanet 388, MedGen C3888239, MONDO:0007723, OMIM 142623.

gnomAD v4.1: 1 of 1,613,982 alleles (0.000062%); highest among the groups gnomAD compares: Admixed American, 0.0017%; no homozygotes.

Submissions (4):

Ambry Genetics
Classification: Uncertain significance for Hereditary cancer-predisposing syndrome. Last evaluated: 2024-07-11. Review status: criteria provided, single submitter. Criteria: Ambry Variant Classification Scheme 2023. Collection method: clinical testing. Allele origin: germline.
Comment: The p.L875V variant (also known as c.2623T>G), located in coding exon 15 of the RET gene, results from a T to G substitution at nucleotide position 2623. The leucine at codon 875 is replaced by valine, an amino acid with highly similar properties. This amino acid position is conserved. In addition, this alteration is predicted to be deleterious by in silico analysis. Based on the available evidence, the clinical significance of this variant remains unclear.

Baylor Genetics
Classification: Uncertain significance for Hirschsprung disease, susceptibility to, 1. Last evaluated: 2023-10-17. Review status: criteria provided, single submitter. Criteria: ACMG Guidelines, 2015. Collection method: clinical testing. Allele origin: unknown.

Labcorp Genetics (formerly Invitae), Labcorp
Classification: Uncertain significance for Multiple endocrine neoplasia, type 2. Last evaluated: 2022-09-08. Review status: criteria provided, single submitter. Criteria: Invitae Variant Classification Sherloc (09022015). Collection method: clinical testing. Allele origin: germline.
Comment: ClinVar contains an entry for this variant (Variation ID: 1483934). Algorithms developed to predict the effect of missense changes on protein structure and function are either unavailable or do not agree on the potential impact of this missense change (SIFT: "Deleterious"; PolyPhen-2: "Probably Damaging"; Align-GVGD: "Class C0"). In summary, the available evidence is currently insufficient to determine the role of this variant in disease. Therefore, it has been classified as a Variant of Uncertain Significance. This variant has not been reported in the literature in individuals affected with RET-related conditions. This sequence change replaces leucine, which is neutral and non-polar, with valine, which is neutral and non-polar, at codon 875 of the RET protein (p.Leu875Val). This variant is not present in population databases (gnomAD no frequency).

Sema4
Classification: Uncertain significance for Hereditary cancer-predisposing syndrome. Last evaluated: 2022-02-22. Review status: criteria provided, single submitter. Criteria: Sema4 Curation Guidelines. Collection method: curation. Allele origin: germline.
Comment: The RET c.2623T>G (p.L875V) variant has not been reported in the literature to our knowledge. It was not observed in the large and broad cohorts of the Genome Aggregation Database (PMID: 32461654). This variant has not been reported in ClinVar. In silico tools suggest the impact of the variant on protein function is deleterious, though these predictions have not been confirmed by functional studies. The evidence is insufficient to meet ACMG/AMP criteria for classifying the variant as benign or pathogenic. Thus, the clinical significance of this variant is currently uncertain.